The following is an entry in ClinVar:

NM_001365276.2(TNXB):c.820G>A (p.Asp274Asn)

Gene: TNXB (tenascin XB; minus strand). Cytogenetic location: 6p21.33.
Variant type: single nucleotide variant.
Coding change: c.820G>A on transcript NM_001365276.2 (MANE Select); coding-DNA position 820, G replaced by A.
Protein change: p.Asp274Asn; replaces aspartic acid 274 with asparagine.
Molecular consequence: missense variant.
Genome position (GRCh38, 1-based): chr6:32,097,033, C>T on the plus strand (G>A on the coding strand, the complement: TNXB is on the minus strand). VCF-style: chr6-32097033-C-T. GRCh37 (hg19) VCF-style: chr6-32064810-C-T.
Other names: c.820G>A, p.Asp274Asn (NM_001428335.1, NM_019105.8); short protein forms D274N.
Identifiers: ClinVar variation 3972038 (VCV003972038.1).

ClinVar aggregate classification (germline): Uncertain significance (1 of 4 stars; one submission).

Conditions:
Cardiovascular phenotype. Identifiers: MedGen CN230736.

gnomAD v4.1: 7 of 1,613,660 alleles (0.00043%); highest among the groups gnomAD compares: African/African-American, 0.0013%; no homozygotes.

Submission:

Ambry Genetics
Classification: Uncertain significance for Cardiovascular phenotype. Last evaluated: 2025-05-26. Review status: criteria provided, single submitter. Criteria: Ambry Variant Classification Scheme 2023. Collection method: clinical testing. Allele origin: germline.
Comment: The p.D274N variant (also known as c.820G>A), located in coding exon 2 of the TNXB gene, results from a G to A substitution at nucleotide position 820. The aspartic acid at codon 274 is replaced by asparagine, an amino acid with highly similar properties. This amino acid position is conserved. In addition, this alteration is predicted to be tolerated by in silico analysis. Based on the available evidence, the clinical significance of this variant remains unclear.